The following is an entry in ClinVar:

NC_000018.9:g.(?_28647981)_(29648347_?)dup

Genes: B4GALT6 (beta-1,4-galactosyltransferase 6; minus strand), DSC1 (desmocollin 1; minus strand), DSC2 (desmocollin 2; minus strand), DSG1 (desmoglein 1; plus strand), DSG2 (desmoglein 2; plus strand) and 6 more. Cytogenetic location: 18q12.1.
Variant type: Duplication.
Identifiers: ClinVar variation 2424326 (VCV002424326.3).

ClinVar aggregate classification (germline): Uncertain significance (1 of 4 stars; one submission).

Submission:

Labcorp Genetics (formerly Invitae), Labcorp
Classification: Uncertain significance. Last evaluated: 2022-09-30. Review status: criteria provided, single submitter. Criteria: Invitae Variant Classification Sherloc (09022015). Collection method: clinical testing. Allele origin: germline.
Comment: A copy number gain of the genomic region encompassing the full coding sequence of the DSG1 gene has been identified. The boundaries of this event are unknown as they extend beyond the assayed region for this gene and therefore may encompass additional genes. As the precise location of this event is unknown, it may be in tandem or it may be located elsewhere in the genome. This variant has not been reported in the literature in individuals affected with DSG1-related conditions. Experimental studies and prediction algorithms are not available or were not evaluated, and the functional significance of this variant is currently unknown. In summary, the available evidence is currently insufficient to determine the role of this variant in disease. Therefore, it has been classified as a Variant of Uncertain Significance.